The following is an entry in ClinVar:

ClinVar aggregate classification (germline): Uncertain significance (1 of 4 stars; one submission).

Conditions:
Epidermolysis bullosa simplex 3, localized or generalized intermediate, with BP230 deficiency (EBS3). Also called: Epidermolysis bullosa simplex, autosomal recessive 2; Epidermolysis bullosa simplex due to BP230 deficiency. Identifiers: Orphanet 412181, MedGen C3809470, MONDO:0014180, OMIM 615425.
Hereditary sensory and autonomic neuropathy type 6. Also called: HSAN VI; Neuropathy, hereditary sensory and autonomic, type VI. Identifiers: Orphanet 314381, MedGen C3539003, MONDO:0013839, OMIM 614653.

Allele frequency attached by ClinVar (database versions not stated): gnomAD exomes below 0.00001; gnomAD 0.00001; ESP Exome Variant Server 0.00008.
gnomAD v4.1: 2 of 1,606,238 alleles (0.00012%); highest among the groups gnomAD compares: East Asian, 0.0022%; no homozygotes.

Submission:

Labcorp Genetics (formerly Invitae), Labcorp
Classification: Uncertain significance for Epidermolysis bullosa simplex 3, localized or generalized intermediate, with BP230 deficiency; Hereditary sensory and autonomic neuropathy type 6. Last evaluated: 2020-05-04. Review status: criteria provided, single submitter. Criteria: Invitae Variant Classification Sherloc (09022015). Collection method: clinical testing. Allele origin: germline.
Comment: Algorithms developed to predict the effect of missense changes on protein structure and function are either unavailable or do not agree on the potential impact of this missense change (SIFT: "Not Available"; PolyPhen-2: "Not Available"; Align-GVGD: "Not Available"). In summary, the available evidence is currently insufficient to determine the role of this variant in disease. Therefore, it has been classified as a Variant of Uncertain Significance. This variant has not been reported in the literature in individuals with DST-related conditions. This variant is not present in population databases (ExAC no frequency). This sequence change replaces histidine with tyrosine at codon 3578 of the DST protein (p.His3578Tyr). The histidine residue is highly conserved and there is a moderate physicochemical difference between the two amino acids. The DST gene has multiple clinically relevant transcripts. This variant occurs in alternate transcript NM_015548.4, and corresponds to NM_001723.5:c.*104141C>T in the primary transcript.

NM_001374736.1(DST):c.18601C>T (p.His6201Tyr)

Gene: DST (dystonin; minus strand). Cytogenetic location: 6p12.1.
Variant type: single nucleotide variant.
Coding change: c.18601C>T on transcript NM_001374736.1 (MANE Select); coding-DNA position 18601, C replaced by T.
Protein change: p.His6201Tyr; replaces histidine 6201 with tyrosine.
Molecular consequence: missense variant.
Genome position (GRCh38, 1-based): chr6:56,511,376, G>A on the plus strand (C>T on the coding strand, the complement: DST is on the minus strand). VCF-style: chr6-56511376-G-A. GRCh37 (hg19) VCF-style: chr6-56376174-G-A.
Other names: c.12244C>T, p.His4082Tyr (NM_001144769.5); c.11830C>T, p.His3944Tyr (NM_001144770.2); c.18601C>T, p.His6201Tyr (NM_001374722.1); c.17641C>T, p.His5881Tyr (NM_001374729.1); c.11383C>T, p.His3795Tyr (NM_001374730.1); c.18628C>T, p.His6210Tyr (NM_001374734.1); c.11710C>T, p.His3904Tyr (NM_001386100.1, NM_183380.4); c.10732C>T, p.His3578Tyr (NM_015548.5); short protein forms H3578Y, H3795Y, H3904Y, H3944Y, H4082Y, H5881Y, H6201Y, H6210Y.
Identifiers: ClinVar variation 999165 (VCV000999165.7), dbSNP rs371649829, ClinGen allele CA139176772.